The following is an entry in ClinVar:

NM_177438.3(DICER1):c.5355G>C (p.Met1785Ile)

Gene: DICER1 (dicer 1, ribonuclease III; minus strand). Cytogenetic location: 14q32.13.
Variant type: single nucleotide variant.
Coding change: c.5355G>C on transcript NM_177438.3 (MANE Select); coding-DNA position 5355, G replaced by C.
Protein change: p.Met1785Ile; replaces methionine 1785 with isoleucine.
Molecular consequence: missense variant. On other transcripts: non-coding transcript variant (6).
Genome position (GRCh38, 1-based): chr14:95,093,897, C>G on the plus strand (G>C on the coding strand, the complement: DICER1 is on the minus strand). VCF-style: chr14-95093897-C-G. GRCh37 (hg19) VCF-style: chr14-95560234-C-G.
Other names: c.5355G>C, p.Met1785Ile (NM_001195573.1, NM_001271282.3, NM_001291628.2 and 9 more transcripts); c.5073G>C, p.Met1691Ile (NM_001395686.1); c.4950G>C, p.Met1650Ile (NM_001395687.1, NM_001395688.1, NM_001395689.1 and 1 more transcripts); c.4788G>C, p.Met1596Ile (NM_001395691.1); c.3672G>C, p.Met1224Ile (NM_001395697.1); short protein forms M1224I, M1650I, M1691I, M1785I, M1596I.
Identifiers: ClinVar variation 2115930 (VCV002115930.4), dbSNP rs2542438426, ClinGen allele CA390864866.
Genomic context (GRCh38, chr14:95,093,897, plus strand): 5'-GAGACTCCTAGTTAGACCACTTTTTTCAACATCGTTTTGAACAGCACTAACCTCAGAATC[C>G]ATTCCTTGCATTTCATTCTTCTCAAGCTGAAACTGCACAAAGTCATCAATGACATGGAAG-3'
Protein context (NP_803187.1, residues 1775-1795): FQLEKNEMQG[Met1785Ile]DSELRRSEED

ClinVar aggregate classification (germline): Uncertain significance (1 of 4 stars; one submission).

Conditions:
DICER1-related tumor predisposition. Also called: DICER1 syndrome; DICER1-related pleuropulmonary blastoma cancer predisposition syndrome. Identifiers: Orphanet 284343, MedGen C3839822, MONDO:0100216.

Submission:

Labcorp Genetics (formerly Invitae), Labcorp
Classification: Uncertain significance for DICER1-related tumor predisposition. Last evaluated: 2022-03-23. Review status: criteria provided, single submitter. Criteria: Invitae Variant Classification Sherloc (09022015). Collection method: clinical testing. Allele origin: germline.
Comment: In summary, the available evidence is currently insufficient to determine the role of this variant in disease. Therefore, it has been classified as a Variant of Uncertain Significance. Algorithms developed to predict the effect of missense changes on protein structure and function (SIFT, PolyPhen-2, Align-GVGD) all suggest that this variant is likely to be tolerated. This variant has not been reported in the literature in individuals affected with DICER1-related conditions. This variant is not present in population databases (gnomAD no frequency). This sequence change replaces methionine, which is neutral and non-polar, with isoleucine, which is neutral and non-polar, at codon 1785 of the DICER1 protein (p.Met1785Ile).